The following is an entry in ClinVar:

ClinVar aggregate classification (germline): Uncertain significance (1 of 4 stars; one submission).

Conditions:
Leukocyte adhesion deficiency type II. Also called: CONGENITAL DISORDER OF GLYCOSYLATION, TYPE IIc; CDG IIc; Congenital disorder of glycosylation type 2C; CDG 2C; Leukocyte adhesion deficiency type 2; Rambam Hasharon syndrome. Identifiers: Orphanet 2968, Orphanet 99843, MedGen C0398739, MONDO:0009953, OMIM 266265.

Allele frequency attached by ClinVar (database versions not stated): gnomAD 0.00001; 1000 Genomes Project 30x 0.00016; 1000 Genomes Project 0.00020.

Submission:

Labcorp Genetics (formerly Invitae), Labcorp
Classification: Uncertain significance for Leukocyte adhesion deficiency type II. Last evaluated: 2024-02-24. Review status: criteria provided, single submitter. Criteria: Invitae Variant Classification Sherloc (09022015). Collection method: clinical testing. Allele origin: germline.
Comment: This sequence change replaces serine, which is neutral and polar, with asparagine, which is neutral and polar, at codon 360 of the SLC35C1 protein (p.Ser360Asn). This variant is not present in population databases (gnomAD no frequency). This variant has not been reported in the literature in individuals affected with SLC35C1-related conditions. ClinVar contains an entry for this variant (Variation ID: 1954935). Algorithms developed to predict the effect of missense changes on protein structure and function output the following: SIFT: "Not Available"; PolyPhen-2: "Benign"; Align-GVGD: "Not Available". The asparagine amino acid residue is found in multiple mammalian species, which suggests that this missense change does not adversely affect protein function. In summary, the available evidence is currently insufficient to determine the role of this variant in disease. Therefore, it has been classified as a Variant of Uncertain Significance.

NM_018389.5(SLC35C1):c.1079G>A (p.Ser360Asn)

Gene: SLC35C1 (solute carrier family 35 member C1; plus strand). Cytogenetic location: 11p11.2.
Variant type: single nucleotide variant.
Coding change: c.1079G>A on transcript NM_018389.5 (MANE Select); coding-DNA position 1079, G replaced by A.
Protein change: p.Ser360Asn; replaces serine 360 with asparagine.
Molecular consequence: missense variant.
Genome position (GRCh38, 1-based): chr11:45,811,319, G>A. VCF-style: chr11-45811319-G-A. GRCh37 (hg19) VCF-style: chr11-45832870-G-A.
Other names: c.1040G>A, p.Ser347Asn (NM_001145265.2, NM_001145266.2); short protein forms S347N, S360N.
Identifiers: ClinVar variation 1954935 (VCV001954935.4), dbSNP rs575892026, ClinGen allele CA221589545.